The following is an entry in ClinVar:

ClinVar aggregate classification (germline): Uncertain significance (1 of 4 stars; one submission).

Conditions:
Deafness-lymphedema-leukemia syndrome. Also called: Lymphedema, primary, with myelodysplasia; Emberger syndrome. Identifiers: Orphanet 3226, MedGen C3279664, MONDO:0013540, OMIM 614038.
Monocytopenia with susceptibility to infections. Also called: GATA2 DEFICIENCY; Dendritic cell, monocyte, B lymphocyte, and natural killer lymphocyte deficiency; MONOCYTOPENIA AND MYCOBACTERIAL INFECTION SYNDROME; MONOCYTOPENIA WITH SUSCEPTIBILITY TO MYCOBACTERIAL, FUNGAL, AND PAPILLOMAVIRUS INFECTIONS AND MYELODYSPLASIA; COMBINED IMMUNODEFICIENCY WITH SUSCEPTIBILITY TO MYCOBACTERIAL, VIRAL, AND FUNGAL INFECTIONS; IMMUNODEFICIENCY 21. Identifiers: Orphanet 228423, MedGen C3280030, MONDO:0013607, OMIM 614172.

Submission:

Labcorp Genetics (formerly Invitae), Labcorp
Classification: Uncertain significance for Monocytopenia with susceptibility to infections; Deafness-lymphedema-leukemia syndrome. Last evaluated: 2023-09-01. Review status: criteria provided, single submitter. Criteria: Invitae Variant Classification Sherloc (09022015). Collection method: clinical testing. Allele origin: germline.
Comment: In summary, the available evidence is currently insufficient to determine the role of this variant in disease. Therefore, it has been classified as a Variant of Uncertain Significance. Advanced modeling of protein sequence and biophysical properties (such as structural, functional, and spatial information, amino acid conservation, physicochemical variation, residue mobility, and thermodynamic stability) has been performed at Invitae for this missense variant, however the output from this modeling did not meet the statistical confidence thresholds required to predict the impact of this variant on GATA2 protein function. ClinVar contains an entry for this variant (Variation ID: 1462254). This variant has not been reported in the literature in individuals affected with GATA2-related conditions. This variant is not present in population databases (gnomAD no frequency). This sequence change replaces alanine, which is neutral and non-polar, with aspartic acid, which is acidic and polar, at codon 345 of the GATA2 protein (p.Ala345Asp).

NM_032638.5(GATA2):c.1034C>A (p.Ala345Asp)

Gene: GATA2 (GATA binding protein 2; minus strand). Cytogenetic location: 3q21.3.
Variant type: single nucleotide variant.
Coding change: c.1034C>A on transcript NM_032638.5 (MANE Select); coding-DNA position 1034, C replaced by A.
Protein change: p.Ala345Asp; replaces alanine 345 with aspartic acid.
Molecular consequence: missense variant. On other transcripts: intron variant (1).
Genome position (GRCh38, 1-based): chr3:128,481,928, G>T on the plus strand (C>A on the coding strand, the complement: GATA2 is on the minus strand). VCF-style: chr3-128481928-G-T. GRCh37 (hg19) VCF-style: chr3-128200771-G-T.
Other names: c.1034C>A, p.Ala345Asp (NM_001145661.2); c.1018-26C>A (NM_001145662.1); short protein forms A345D.
Identifiers: ClinVar variation 1462254 (VCV001462254.8), dbSNP rs2107668791, ClinGen allele CA354413682.